The following is an entry in ClinVar:

ClinVar aggregate classification (germline): Pathogenic (1 of 4 stars; one submission).

Submission:

Labcorp Genetics (formerly Invitae), Labcorp
Classification: Pathogenic. Last evaluated: 2023-01-05. Review status: criteria provided, single submitter. Criteria: Invitae Variant Classification Sherloc (09022015). Collection method: clinical testing. Allele origin: germline.
Comment: For these reasons, this variant has been classified as Pathogenic. This variant has not been reported in the literature in individuals affected with FRAS1-related conditions. This variant is not present in population databases (gnomAD no frequency). This sequence change creates a premature translational stop signal (p.Glu1884*) in the FRAS1 gene. It is expected to result in an absent or disrupted protein product. Loss-of-function variants in FRAS1 are known to be pathogenic (PMID: 12766769, 18671281).

Literature cited by the submitters: PubMed 12766769; PubMed 18671281.

NM_025074.7(FRAS1):c.5649dup (p.Glu1884Ter)

Gene: FRAS1 (Fraser extracellular matrix complex subunit 1; plus strand). Cytogenetic location: 4q21.21.
Variant type: Duplication.
Coding change: c.5649dup on transcript NM_025074.7 (MANE Select); coding-DNA position 5649, one base duplicated (T; older notation c.5649dupT).
Protein change: p.Glu1884Ter; replaces glutamic acid 1884 with a stop codon.
Molecular consequence: nonsense.
Genome position (GRCh38, 1-based): chr4:78,441,281, T duplicated; the last of 2 consecutive T bases (chr4:78,441,280-78,441,281); duplicating either gives the same sequence. VCF-style (leftmost placement, unchanged base first): chr4-78441279-A-AT. GRCh37 (hg19) VCF-style: chr4-79362433-A-AT.
Other names: c.5649dup, p.Glu1884Ter (NM_001166133.2); short protein forms E1884*.
Identifiers: ClinVar variation 2826444 (VCV002826444.3), dbSNP rs2477194446, ClinGen allele CA2739270134.
Genomic context (GRCh38, chr4:78,441,279, plus strand): 5'-GATGACAACCTCCAGAGAGATGCCATCATTAAACTAAGTGCTCTGCCCAAATATGGCTGC[A>AT]TTGAGAACACAGGAACAGGTACTACTTCCTGTAAAACTGTTAAGGACCTTGAGAGAAGGG-3'